The following is an entry in ClinVar:

NM_017935.5(BANK1):c.2131C>T (p.Leu711=)

Gene: BANK1 (B cell scaffold protein with ankyrin repeats 1; plus strand). Cytogenetic location: 4q24.
Variant type: single nucleotide variant.
Coding change: c.2131C>T on transcript NM_017935.5 (MANE Select); coding-DNA position 2131, C replaced by T.
Protein change: p.Leu711=; no amino-acid change (leucine 711 retained).
Molecular consequence: synonymous variant.
Genome position (GRCh38, 1-based): chr4:102,060,372, C>T. VCF-style: chr4-102060372-C-T. GRCh37 (hg19) VCF-style: chr4-102981529-C-T.
Other names: c.2041C>T, p.Leu681= (NM_001083907.3); c.1732C>T, p.Leu578= (NM_001127507.3).
Identifiers: ClinVar variation 3898617 (VCV003898617.7).

ClinVar aggregate classification (germline): Likely benign (1 of 4 stars; one submission).

Submission:

CeGaT Center for Human Genetics Tuebingen
Classification: Likely benign. Last evaluated: 2025-04-01. Review status: criteria provided, single submitter. Criteria: CeGaT Center For Human Genetics Tuebingen Variant Classification Criteria Version 2. Collection method: clinical testing. Allele origin: germline. Affected: yes. Observed: 1 variant allele.
Comment: BANK1: PM2:Supporting, BP4, BP7